The following is an entry in ClinVar:

NM_001999.4(FBN2):c.5528A>G (p.Asp1843Gly)

Gene: FBN2 (fibrillin 2; minus strand). Cytogenetic location: 5q23.3.
Variant type: single nucleotide variant.
Coding change: c.5528A>G on transcript NM_001999.4 (MANE Select); coding-DNA position 5528, A replaced by G.
Protein change: p.Asp1843Gly; replaces aspartic acid 1843 with glycine.
Molecular consequence: missense variant.
Genome position (GRCh38, 1-based): chr5:128,305,843, T>C on the plus strand (A>G on the coding strand, the complement: FBN2 is on the minus strand). VCF-style: chr5-128305843-T-C. GRCh37 (hg19) VCF-style: chr5-127641535-T-C.
Other names: short protein forms D1843G.
Identifiers: ClinVar variation 1313702 (VCV001313702.2), dbSNP rs2126839169, ClinGen allele CA360740825.

ClinVar aggregate classification (germline): Uncertain significance (1 of 4 stars; one submission).

Submission:

GeneDx
Classification: Uncertain significance. Last evaluated: 2020-11-25. Review status: criteria provided, single submitter. Criteria: GeneDx Variant Classification Process June 2021. Collection method: clinical testing. Allele origin: germline. Affected: yes.
Comment: Has not been previously published as pathogenic or benign to our knowledge; Not observed in large population cohorts (Lek et al., 2016); In silico analysis supports that this missense variant has a deleterious effect on protein structure/function; Although located in a calcium-binding EGF-like domain of the FBN2 gene, it does not affect a cysteine residue within this domain; cysteine substitutions in the calcium-binding EGF-like domains represent the majority of pathogenic missense changes associated with FBN2-related disorders (Frederic et al., 2009).